The following is an entry in ClinVar:

NM_016216.4(DBR1):c.1302A>C (p.Glu434Asp)

Gene: DBR1 (debranching RNA lariats 1; minus strand). Cytogenetic location: 3q22.3.
Variant type: single nucleotide variant.
Coding change: c.1302A>C on transcript NM_016216.4 (MANE Select); coding-DNA position 1302, A replaced by C.
Protein change: p.Glu434Asp; replaces glutamic acid 434 with aspartic acid.
Molecular consequence: missense variant.
Genome position (GRCh38, 1-based): chr3:138,162,222, T>G on the plus strand (A>C on the coding strand, the complement: DBR1 is on the minus strand). VCF-style: chr3-138162222-T-G. GRCh37 (hg19) VCF-style: chr3-137881064-T-G.
Other names: c.1302A>C (NM_016216.3); short protein forms E434D.
Identifiers: ClinVar variation 2067470 (VCV002067470.2), dbSNP rs762908099, ClinGen allele CA2635687.

ClinVar aggregate classification (germline): Uncertain significance. Review status: criteria provided, multiple submitters, no conflicts (2 of 4 stars). 2 submissions from 2 submitters: Uncertain significance (2). Last evaluated 2024-07-31.

Conditions:
Inborn genetic diseases. Identifiers: MedGen C0950123, MeSH D030342.

Allele frequency attached by ClinVar (database versions not stated): TOPMed below 0.00001; ExAC 0.00001; gnomAD 0.00001.

Submissions (2):

Ambry Genetics
Classification: Uncertain significance for Inborn genetic diseases. Last evaluated: 2024-07-31. Review status: criteria provided, single submitter. Criteria: Ambry Variant Classification Scheme 2023. Collection method: clinical testing. Allele origin: germline.

Labcorp Genetics (formerly Invitae), Labcorp
Classification: Uncertain significance. Last evaluated: 2022-10-13. Review status: criteria provided, single submitter. Criteria: Invitae Variant Classification Sherloc (09022015). Collection method: clinical testing. Allele origin: germline.
Comment: This sequence change replaces glutamic acid, which is acidic and polar, with aspartic acid, which is acidic and polar, at codon 434 of the DBR1 protein (p.Glu434Asp). This variant is present in population databases (rs762908099, gnomAD 0.003%). This variant has not been reported in the literature in individuals affected with DBR1-related conditions. Algorithms developed to predict the effect of missense changes on protein structure and function output the following: SIFT: "Tolerated"; PolyPhen-2: "Benign"; Align-GVGD: "Class C0". The aspartic acid amino acid residue is found in multiple mammalian species, which suggests that this missense change does not adversely affect protein function. In summary, the available evidence is currently insufficient to determine the role of this variant in disease. Therefore, it has been classified as a Variant of Uncertain Significance.